The following is an entry in ClinVar:

ClinVar aggregate classification (germline): Pathogenic (1 of 4 stars; one submission).

Conditions:
Hereditary nonpolyposis colorectal neoplasms. Identifiers: MedGen C0009405, MeSH D003123.

Submission:

Labcorp Genetics (formerly Invitae), Labcorp
Classification: Pathogenic for Hereditary nonpolyposis colorectal neoplasms. Last evaluated: 2024-03-01. Review status: criteria provided, single submitter. Criteria: Invitae Variant Classification Sherloc (09022015). Collection method: clinical testing. Allele origin: germline.
Comment: This sequence change creates a premature translational stop signal (p.Lys1014Asnfs*6) in the MSH6 gene. It is expected to result in an absent or disrupted protein product. Loss-of-function variants in MSH6 are known to be pathogenic (PMID: 18269114, 24362816). This variant is not present in population databases (gnomAD no frequency). This variant has not been reported in the literature in individuals affected with MSH6-related conditions. For these reasons, this variant has been classified as Pathogenic.

Literature cited by the submitters: PubMed 18269114; PubMed 24362816.

NM_000179.3(MSH6):c.3042del (p.Lys1014fs)

Gene: MSH6 (mutS homolog 6; plus strand). Cytogenetic location: 2p16.3.
Variant type: Deletion.
Coding change: c.3042del on transcript NM_000179.3 (MANE Select); coding-DNA position 3042, one base deleted (G; older notation c.3042delG).
Protein change: p.Lys1014fs; shifts the reading frame from lysine 1014.
Molecular consequence: frameshift variant. On other transcripts: non-coding transcript variant (5), intron variant (2).
Genome position (GRCh38, 1-based): chr2:47,801,025, G deleted. VCF-style (leftmost placement, unchanged base first): chr2-47801024-AG-A. GRCh37 (hg19) VCF-style: chr2-48028163-AG-A.
Other names: c.2652del, p.Lys884fs (NM_001281492.2); c.2136del, p.Lys712fs (NM_001281493.2, NM_001281494.2, NM_001406811.1 and 6 more transcripts); c.2517del, p.Lys839fs (NM_001406806.1, NM_001406807.1, NM_001406799.1); c.3042del, p.Lys1014fs (NM_001406808.1, NM_001406809.1, NM_001406796.1 and 2 more transcripts); c.3048del, p.Lys1016fs (NM_001406813.1); c.2745del, p.Lys915fs (NM_001406818.1, NM_001406819.1, NM_001406820.1 and 10 more transcripts); c.2874del, p.Lys958fs (NM_001406826.1); c.987del, p.Lys329fs (NM_001407362.1); and 4 more; short protein forms K1016fs, K839fs, K884fs, K958fs, K988fs, K712fs, K915fs, K1046fs.
Identifiers: ClinVar variation 3643970 (VCV003643970.2).